The following is an entry in ClinVar:

ClinVar aggregate classification (germline): Uncertain significance (1 of 4 stars; one submission).

Submission:

GeneDx
Classification: Uncertain significance. Last evaluated: 2024-02-21. Review status: criteria provided, single submitter. Criteria: GeneDx Variant Classification Process June 2021. Collection method: clinical testing. Allele origin: germline. Affected: yes.
Comment: Not observed at significant frequency in large population cohorts (gnomAD); In silico analysis supports that this missense variant does not alter protein structure/function; Has not been previously published as pathogenic or benign to our knowledge

NM_001042424.3(NSD2):c.3112A>G (p.Met1038Val)

Gene: NSD2 (nuclear receptor binding SET domain protein 2; plus strand). Cytogenetic location: 4p16.3.
Variant type: single nucleotide variant.
Coding change: c.3112A>G on transcript NM_001042424.3 (MANE Select); coding-DNA position 3112, A replaced by G.
Protein change: p.Met1038Val; replaces methionine 1038 with valine.
Molecular consequence: missense variant.
Genome position (GRCh38, 1-based): chr4:1,959,597, A>G. VCF-style: chr4-1959597-A-G. GRCh37 (hg19) VCF-style: chr4-1961324-A-G.
Other names: c.3112A>G, p.Met1038Val (NM_133330.3, NM_133331.3, NM_133335.4); short protein forms M1038V.
Identifiers: ClinVar variation 3369557 (VCV003369557.1).
Genomic context (GRCh38, chr4:1,959,597, plus strand): 5'-TGCAAGCCCACAGATGAGAATCCTTGTGGCTTTGATTCGGAGTGTCTGAACAGGATGCTG[A>G]TGTTTGAGTGCCACCCGCAGGTGTGTCCCGCGGGCGAGTTCTGCCAGAACCAGTGCTTCA-3'
Protein context (NP_001035889.1, residues 1028-1048): FDSECLNRML[Met1038Val]FECHPQVCPA